The following is an entry in ClinVar:

NM_003002.4(SDHD):c.203G>C (p.Ser68Thr)

Gene: SDHD (succinate dehydrogenase complex subunit D; plus strand). Cytogenetic location: 11q23.1.
Variant type: single nucleotide variant.
Coding change: c.203G>C on transcript NM_003002.4 (MANE Select); coding-DNA position 203, G replaced by C.
Protein change: p.Ser68Thr; replaces serine 68 with threonine.
Molecular consequence: missense variant. On other transcripts: non-coding transcript variant (1), intron variant (1).
Genome position (GRCh38, 1-based): chr11:112,088,900, G>C. VCF-style: chr11-112088900-G-C. GRCh37 (hg19) VCF-style: chr11-111959624-G-C.
Other names: c.86G>C, p.Ser29Thr (NM_001276504.2); c.203G>C, p.Ser68Thr (NM_001276506.2); c.169+927G>C (NM_001276503.2); short protein forms S68T, S29T.
Identifiers: ClinVar variation 2933592 (VCV002933592.3), dbSNP rs2498904672, ClinGen allele CA382617221.

ClinVar aggregate classification (germline): Uncertain significance (1 of 4 stars; one submission).

Conditions:
Cowden syndrome 3 (CWS3). Identifiers: Orphanet 201, MedGen CN166604, MONDO:0014045.
Carney-Stratakis syndrome. Also called: PARAGANGLIOMA AND GASTROINTESTINAL STROMAL TUMOR. Identifiers: Orphanet 97286, MedGen C1847319, MONDO:0011740, OMIM 606864.
Pheochromocytoma. Also called: MAX-Related Hereditary Paraganglioma-Pheochromocytoma Syndrome. Identifiers: Orphanet 29072, MedGen C0031511, MONDO:0008233, OMIM 171300, HP:0002666.
Paragangliomas with sensorineural hearing loss. Identifiers: MedGen C1868633.

Submission:

Labcorp Genetics (formerly Invitae), Labcorp
Classification: Uncertain significance for Carney-Stratakis syndrome; Paragangliomas with sensorineural hearing loss; Pheochromocytoma; Cowden syndrome 3. Last evaluated: 2022-12-28. Review status: criteria provided, single submitter. Criteria: Invitae Variant Classification Sherloc (09022015). Collection method: clinical testing. Allele origin: germline.
Comment: In summary, the available evidence is currently insufficient to determine the role of this variant in disease. Therefore, it has been classified as a Variant of Uncertain Significance. Algorithms developed to predict the effect of sequence changes on RNA splicing suggest that this variant may create or strengthen a splice site. Algorithms developed to predict the effect of missense changes on protein structure and function (SIFT, PolyPhen-2, Align-GVGD) all suggest that this variant is likely to be tolerated. This variant has not been reported in the literature in individuals affected with SDHD-related conditions. This variant is not present in population databases (gnomAD no frequency). This sequence change replaces serine, which is neutral and polar, with threonine, which is neutral and polar, at codon 68 of the SDHD protein (p.Ser68Thr).